The following is an entry in ClinVar:

NM_001164277.2(SLC37A4):c.708_709dup (p.Phe237fs)

Gene: SLC37A4 (solute carrier family 37 member 4; minus strand). Cytogenetic location: 11q23.3.
Variant type: Microsatellite.
Coding change: c.708_709dup on transcript NM_001164277.2 (MANE Select); coding-DNA positions 708 to 709, 2 bases duplicated (GT; older notation c.708_709dupGT).
Protein change: p.Phe237fs; shifts the reading frame from phenylalanine 237.
Molecular consequence: frameshift variant.
Genome position (GRCh38, 1-based): chr11:119,027,012-119,027,013, AC duplicated on the plus strand (GT on the coding strand, the reverse complement: SLC37A4 is on the minus strand); duplicating any 2 consecutive bases within chr11:119,027,012-119,027,015 gives the same sequence; the c. name uses the placement nearest the transcript's 3' end. VCF-style (leftmost placement, unchanged base first): chr11-119027011-A-AAC. GRCh37 (hg19) VCF-style: chr11-118897721-A-AAC.
Other names: c.708_709dup, p.Phe237fs (NM_001164278.2, NM_001164280.2, NM_001467.6); c.489_490dup, p.Phe164fs (NM_001164279.2); short protein forms F237fs, F164fs.
Identifiers: ClinVar variation 552882 (VCV000552882.4), dbSNP rs781869215, ClinGen allele CA6311752.

ClinVar aggregate classification (germline): Pathogenic. Review status: criteria provided, single submitter (1 of 4 stars). 2 submissions from 2 submitters: Pathogenic (1). 1 of the submissions does not count toward it. Last evaluated 2024-04-20.

Conditions:
Glucose-6-phosphate transport defect (GSD1B). Also called: Glycogen Storage Disease Type Ib; GSD Ib. Identifiers: Orphanet 364, Orphanet 79259, MedGen C0268146, MONDO:0009288, OMIM 232220.

Submissions (2):

Labcorp Genetics (formerly Invitae), Labcorp
Classification: Pathogenic for Glucose-6-phosphate transport defect. Last evaluated: 2024-04-20. Review status: criteria provided, single submitter. Criteria: Invitae Variant Classification Sherloc (09022015). Collection method: clinical testing. Allele origin: germline.
Comment: This sequence change creates a premature translational stop signal (p.Phe237Cysfs*4) in the SLC37A4 gene. It is expected to result in an absent or disrupted protein product. Loss-of-function variants in SLC37A4 are known to be pathogenic (PMID: 9758626, 10940311). This variant is present in population databases (rs781869215, gnomAD 0.002%). This variant has not been reported in the literature in individuals affected with SLC37A4-related conditions. For these reasons, this variant has been classified as Pathogenic.

Counsyl
Classification: Likely pathogenic for Glucose-6-phosphate transport defect. Last evaluated: 2017-07-14. Review status: no assertion criteria provided. Collection method: clinical testing. Allele origin: unknown. Not counted in ClinVar's aggregate classification.

Literature cited by the submitters: PubMed 9758626 (cited by Labcorp Genetics (formerly Invitae), Labcorp); PubMed 10940311 (cited by Labcorp Genetics (formerly Invitae), Labcorp).